The following is an entry in ClinVar:

ClinVar aggregate classification (germline): Uncertain significance (1 of 4 stars; one submission).

Conditions:
Hereditary cancer-predisposing syndrome. Also called: Neoplastic Syndromes, Hereditary; Tumor predisposition; Hereditary Cancer Syndrome; Hereditary neoplastic syndrome. Identifiers: Orphanet 140162, MedGen C0027672, MeSH D009386, MONDO:0015356.

Submission:

Ambry Genetics
Classification: Uncertain significance for Hereditary cancer-predisposing syndrome. Last evaluated: 2022-08-24. Review status: criteria provided, single submitter. Criteria: Ambry Variant Classification Scheme 2023. Collection method: clinical testing. Allele origin: germline.
Comment: The p.M654K variant (also known as c.1961T>A), located in coding exon 4 of the MSH6 gene, results from a T to A substitution at nucleotide position 1961. The methionine at codon 654 is replaced by lysine, an amino acid with similar properties. This amino acid position is conserved. In addition, this alteration is predicted to be tolerated by in silico analysis. Since supporting evidence is limited at this time, the clinical significance of this alteration remains unclear.

NM_000179.3(MSH6):c.1961T>A (p.Met654Lys)

Gene: MSH6 (mutS homolog 6; plus strand). Cytogenetic location: 2p16.3.
Variant type: single nucleotide variant.
Coding change: c.1961T>A on transcript NM_000179.3 (MANE Select); coding-DNA position 1961, T replaced by A.
Protein change: p.Met654Lys; replaces methionine 654 with lysine.
Molecular consequence: missense variant.
Genome position (GRCh38, 1-based): chr2:47,799,944, T>A. VCF-style: chr2-47799944-T-A. GRCh37 (hg19) VCF-style: chr2-48027083-T-A.
Other names: c.1571T>A, p.Met524Lys (NM_001281492.2); c.1055T>A, p.Met352Lys (NM_001281493.2, NM_001281494.2, NM_001406811.1 and 6 more transcripts); c.2057T>A, p.Met686Lys (NM_001406795.1, NM_001406802.1); c.1961T>A, p.Met654Lys (NM_001406796.1, NM_001406798.1, NM_001406800.1 and 3 more transcripts); c.1664T>A, p.Met555Lys (NM_001406797.1, NM_001406801.1, NM_001406805.1 and 10 more transcripts); c.1436T>A, p.Met479Lys (NM_001406799.1, NM_001406806.1, NM_001406807.1); c.1883T>A, p.Met628Lys (NM_001406804.1); c.1967T>A, p.Met656Lys (NM_001406813.1); and 1 more; short protein forms M479K, M555K, M654K, M352K, M598K, M686K, M524K, M628K.
Identifiers: ClinVar variation 1783448 (VCV001783448.2), dbSNP rs761433489, ClinGen allele CA346750582.